The following is an entry in ClinVar:

NM_001326411.2(PISD):c.322-3883G>C

Genes: PISD (phosphatidylserine decarboxylase; minus strand), LOC110121499 (VISTA enhancer hs2240; plus strand). Cytogenetic location: 22q12.2.
Variant type: single nucleotide variant.
Coding change: c.322-3883G>C on transcript NM_001326411.2 (MANE Select); 3883 bases into the intron before coding-DNA position 322, G replaced by C.
Molecular consequence: intron variant. On other transcripts: synonymous variant (6).
Genome position (GRCh38, 1-based): chr22:31,625,768, C>G on the plus strand (G>C on the coding strand, the complement: PISD is on the minus strand). VCF-style: chr22-31625768-C-G. GRCh37 (hg19) VCF-style: chr22-32021754-C-G.
Other names: c.48G>C, p.Ala16= (NM_001326419.2, NM_014338.4, NM_178022.2 and 3 more transcripts); c.322-3946G>C (NM_001326412.1); c.322-3883G>C (NM_001326421.1); c.142-3883G>C (NM_001326420.2, NM_001326418.2); c.93-1919G>C (NM_001326413.2, NM_001326414.2).
Identifiers: ClinVar variation 2653072 (VCV002653072.24), dbSNP rs752608085, ClinGen allele CA10194930.
Genomic context (GRCh38, chr22:31,625,768, plus strand): 5'-TCCGGAGGTCGTGGCGGGGAACCGTGGGGTTAGGGCGCGGTGGGCAGCATCTCACCATTT[C>G]GCCGCGCGGAGCTCTGGTCCTTGCCGCGCCTCTGACTGACACATCATGGGCCGGCGCAGG-3'

ClinVar aggregate classification (germline): Likely benign (1 of 4 stars; one submission).

gnomAD v4.1: 6 of 1,589,606 alleles (0.00038%); highest among the groups gnomAD compares: African/African-American, 0.0013%; no homozygotes.

Submission:

CeGaT Center for Human Genetics Tuebingen
Classification: Likely benign. Last evaluated: 2023-02-01. Review status: criteria provided, single submitter. Criteria: CeGaT Center For Human Genetics Tuebingen Variant Classification Criteria Version 2. Collection method: clinical testing. Allele origin: germline. Affected: yes. Observed: 1 variant allele.
Comment: PISD: BP4, BP7